The following is an entry in ClinVar:

NM_014956.5(CEP164):c.4249C>T (p.Arg1417Trp)

Gene: CEP164 (centrosomal protein 164; plus strand). Cytogenetic location: 11q23.3.
Variant type: single nucleotide variant.
Coding change: c.4249C>T on transcript NM_014956.5 (MANE Select); coding-DNA position 4249, C replaced by T.
Protein change: p.Arg1417Trp; replaces arginine 1417 with tryptophan.
Molecular consequence: missense variant.
Genome position (GRCh38, 1-based): chr11:117,411,880, C>T. VCF-style: chr11-117411880-C-T. GRCh37 (hg19) VCF-style: chr11-117282596-C-T.
Other names: c.4249C>T (NM_014956.4); c.4234C>T, p.Arg1412Trp (NM_001271933.2); short protein forms R1412W, R1417W.
Identifiers: ClinVar variation 1493642 (VCV001493642.8), dbSNP rs745904143, ClinGen allele CA6295765.
Genomic context (GRCh38, chr11:117,411,880, plus strand): 5'-TCCCATTCGCAAGTCCCTGAGGCGGGCAGCACCACCTTTCAGGGCATAATTGAGGCCAAC[C>T]GGAGGTGGCTGGAACGTGTCAAGAATGACCCCAGGTTGTATCCTTTTACCTGGTTCCCAA-3'
Protein context (NP_055771.4, residues 1407-1427): TTFQGIIEAN[Arg1417Trp]RWLERVKNDP

ClinVar aggregate classification (germline): Uncertain significance. Review status: criteria provided, multiple submitters, no conflicts (2 of 4 stars). 4 submissions from 4 submitters: Uncertain significance (4). Last evaluated 2025-02-06.

Conditions:
CEP164-related disorder. Also called: CEP164-related condition.
Inborn genetic diseases. Identifiers: MedGen C0950123, MeSH D030342.
Nephronophthisis 15 (NPHP15). Identifiers: Orphanet 3156, MedGen C3541853, MONDO:0013917, OMIM 614845.

gnomAD v4.1: 78 of 1,614,006 alleles (0.0048%); highest among the groups gnomAD compares: South Asian, 0.045%; no homozygotes.

Submissions (4):

PreventionGenetics, part of Exact Sciences
Classification: Uncertain significance for CEP164-related condition. Last evaluated: 2025-02-06. Review status: criteria provided, single submitter. Criteria: ACMG Guidelines, 2015. Collection method: clinical testing. Allele origin: germline.
Comment: The CEP164 c.4249C>T variant is predicted to result in the amino acid substitution p.Arg1417Trp. To our knowledge, this variant has not been reported in the literature. This variant is reported in 0.052% of alleles in individuals of South Asian descent in gnomAD. Although we suspect that this variant may be benign, at this time, the clinical significance of this variant is uncertain due to the absence of conclusive functional and genetic evidence.

Fulgent Genetics
Classification: Uncertain significance for Nephronophthisis 15. Last evaluated: 2024-05-08. Review status: criteria provided, single submitter. Criteria: ACMG Guidelines, 2015. Collection method: clinical testing. Allele origin: germline.

Ambry Genetics
Classification: Uncertain significance for Inborn genetic diseases. Last evaluated: 2024-02-13. Review status: criteria provided, single submitter. Criteria: Ambry Variant Classification Scheme 2023. Collection method: clinical testing. Allele origin: germline.

Labcorp Genetics (formerly Invitae), Labcorp
Classification: Uncertain significance for Nephronophthisis 15. Last evaluated: 2023-08-09. Review status: criteria provided, single submitter. Criteria: Invitae Variant Classification Sherloc (09022015). Collection method: clinical testing. Allele origin: germline.
Comment: ClinVar contains an entry for this variant (Variation ID: 1493642). In summary, the available evidence is currently insufficient to determine the role of this variant in disease. Therefore, it has been classified as a Variant of Uncertain Significance. Advanced modeling of protein sequence and biophysical properties (such as structural, functional, and spatial information, amino acid conservation, physicochemical variation, residue mobility, and thermodynamic stability) performed at Invitae indicates that this missense variant is not expected to disrupt CEP164 protein function. This variant has not been reported in the literature in individuals affected with CEP164-related conditions. This variant is present in population databases (rs745904143, gnomAD 0.05%). This sequence change replaces arginine, which is basic and polar, with tryptophan, which is neutral and slightly polar, at codon 1417 of the CEP164 protein (p.Arg1417Trp).